The following is an entry in ClinVar:

NM_018486.3(HDAC8):c.281T>C (p.Ile94Thr)

Gene: HDAC8 (histone deacetylase 8; minus strand). Cytogenetic location: Xq13.1.
Variant type: single nucleotide variant.
Coding change: c.281T>C on transcript NM_018486.3 (MANE Select); coding-DNA position 281, T replaced by C.
Protein change: p.Ile94Thr; replaces isoleucine 94 with threonine.
Molecular consequence: missense variant. On other transcripts: non-coding transcript variant (1), intron variant (2).
Genome position (GRCh38, 1-based): chrX:72,568,768, A>G on the plus strand (T>C on the coding strand, the complement: HDAC8 is on the minus strand). VCF-style: chrX-72568768-A-G. GRCh37 (hg19) VCF-style: chrX-71788618-A-G.
Other names: c.281T>C, p.Ile94Thr (NM_001166419.2, NM_001166420.2, NM_001166422.2); c.164+3289T>C (NM_001166418.2, NM_001166448.2); short protein forms I94T.
Identifiers: ClinVar variation 589745 (VCV000589745.10), dbSNP rs1452290404, ClinGen allele CA413575079.

ClinVar aggregate classification (germline): Conflicting classifications of pathogenicity. Review status: criteria provided, conflicting classifications (1 of 4 stars). 2 submissions from 2 submitters: Uncertain significance (1); Likely benign (1). Last evaluated 2025-03-01.

Conditions:
Cornelia de Lange syndrome 5 (CDLS5). Also called: HDAC8-Related Cornelia de Lange Syndrome. Identifiers: Orphanet 199, MedGen C3550903, MONDO:0010471, OMIM 300882.
Inborn genetic diseases. Identifiers: MedGen C0950123, MeSH D030342.

Allele frequency attached by ClinVar (database versions not stated): gnomAD 0.00002; TOPMed 0.00002; gnomAD exomes 0.00003.
gnomAD v4.1: 32 of 1,210,531 alleles (0.0026%); highest among the groups gnomAD compares: Non-Finnish European, 0.0036%; no homozygotes.

Submissions (2):

Labcorp Genetics (formerly Invitae), Labcorp
Classification: Likely benign for Cornelia de Lange syndrome 5. Last evaluated: 2025-03-01. Review status: criteria provided, single submitter. Criteria: Invitae Variant Classification Sherloc (09022015). Collection method: clinical testing. Allele origin: germline.

Ambry Genetics
Classification: Uncertain significance for Inborn genetic diseases. Last evaluated: 2017-02-15. Review status: criteria provided, single submitter. Criteria: Ambry Variant Classification Scheme 2023. Collection method: clinical testing. Allele origin: germline.
Comment: The p.I94T variant (also known as c.281T>C), located in coding exon 3 of the HDAC8 gene, results from a T to C substitution at nucleotide position 281. The isoleucine at codon 94 is replaced by threonine, an amino acid with similar properties. This amino acid position is not well conserved in available vertebrate species. In addition, this alteration is predicted to be tolerated by in silico analysis. Since supporting evidence is limited at this time, the clinical significance of this alteration remains unclear.